The following is an entry in ClinVar:

NM_001164508.2(NEB):c.4611+1G>A

Gene: NEB (nebulin; minus strand). Cytogenetic location: 2q23.3.
Variant type: single nucleotide variant.
Coding change: c.4611+1G>A on transcript NM_001164508.2 (MANE Select); the canonical splice donor site of the intron after coding-DNA position 4611, G replaced by A.
Molecular consequence: splice donor variant.
Genome position (GRCh38, 1-based): chr2:151,669,026, C>T on the plus strand (G>A on the coding strand, the complement: NEB is on the minus strand). VCF-style: chr2-151669026-C-T. GRCh37 (hg19) VCF-style: chr2-152525540-C-T.
Other names: c.4611+1G>A (NM_004543.5, NM_001164507.2, NM_001271208.2).
Identifiers: ClinVar variation 1065998 (VCV001065998.8), dbSNP rs1233792020, ClinGen allele CA348814909.

ClinVar aggregate classification (germline): Likely pathogenic. Review status: criteria provided, multiple submitters, no conflicts (2 of 4 stars). 2 submissions from 2 submitters: Likely pathogenic (2). Last evaluated 2024-02-27.

Conditions:
Nemaline myopathy 2 (NEM2). Also called: Nemaline myopathy 2, autosomal recessive. Identifiers: MedGen C1850569, MONDO:0009725, OMIM 256030.
Arthrogryposis multiplex congenita 6. Identifiers: MedGen C5543431, MONDO:0030281, OMIM 619334.

Allele frequency attached by ClinVar (database versions not stated): gnomAD exomes below 0.00001.
gnomAD v4.1: 1 of 1,577,488 alleles (0.000063%); highest among the groups gnomAD compares: Admixed American, 0.0018%; no homozygotes.

Submissions (2):

Fulgent Genetics
Classification: Likely pathogenic for Nemaline myopathy 2; Arthrogryposis multiplex congenita 6. Last evaluated: 2024-02-27. Review status: criteria provided, single submitter. Criteria: ACMG Guidelines, 2015. Collection method: clinical testing. Allele origin: germline.

Labcorp Genetics (formerly Invitae), Labcorp
Classification: Likely pathogenic for Nemaline myopathy 2. Last evaluated: 2023-07-08. Review status: criteria provided, single submitter. Criteria: Invitae Variant Classification Sherloc (09022015). Collection method: clinical testing. Allele origin: germline.
Comment: This variant is not present in population databases (gnomAD no frequency). In summary, the currently available evidence indicates that the variant is pathogenic, but additional data are needed to prove that conclusively. Therefore, this variant has been classified as Likely Pathogenic. Algorithms developed to predict the effect of sequence changes on RNA splicing suggest that this variant may disrupt the consensus splice site. ClinVar contains an entry for this variant (Variation ID: 1065998). This variant has not been reported in the literature in individuals affected with NEB-related conditions. This sequence change affects a donor splice site in intron 39 of the NEB gene. It is expected to disrupt RNA splicing. Variants that disrupt the donor or acceptor splice site typically lead to a loss of protein function (PMID: 16199547), and loss-of-function variants in NEB are known to be pathogenic (PMID: 25205138).

Literature cited by the submitters: PubMed 16199547 (cited by Labcorp Genetics (formerly Invitae), Labcorp); PubMed 25205138 (cited by Labcorp Genetics (formerly Invitae), Labcorp).